The following is an entry in ClinVar:

ClinVar aggregate classification (germline): Uncertain significance (1 of 4 stars; one submission).

Conditions:
Developmental and epileptic encephalopathy, 42 (DEE42A). Also called: DEVELOPMENTAL AND EPILEPTIC ENCEPHALOPATHY 42A; EPILEPTIC ENCEPHALOPATHY, EARLY INFANTILE, 42A; Epileptic encephalopathy, early infantile, 42. Identifiers: MedGen C4310716, MONDO:0014917, OMIM 617106.
Episodic ataxia type 2 (EA2). Also called: ACETAZOLAMIDE-RESPONSIVE HEREDITARY PAROXYSMAL CEREBELLAR ATAXIA; ATAXIA, EPISODIC, WITH NYSTAGMUS; ATAXIA, FAMILIAL PAROXYSMAL; CEREBELLAR ATAXIA, PAROXYSMAL, ACETAZOLAMIDE-RESPONSIVE; CEREBELLOPATHY, HEREDITARY PAROXYSMAL; EPISODIC ATAXIA, NYSTAGMUS-ASSOCIATED. Identifiers: Orphanet 97, MedGen C1720416, MONDO:0007163, OMIM 108500.

Submission:

Labcorp Genetics (formerly Invitae), Labcorp
Classification: Uncertain significance for Developmental and epileptic encephalopathy, 42; Episodic ataxia type 2. Last evaluated: 2019-03-03. Review status: criteria provided, single submitter. Criteria: Invitae Variant Classification Sherloc (09022015). Collection method: clinical testing. Allele origin: germline.
Comment: In summary, the available evidence is currently insufficient to determine the role of this variant in disease. Therefore, it has been classified as a Variant of Uncertain Significance. Algorithms developed to predict the effect of missense changes on protein structure and function are either unavailable or do not agree on the potential impact of this missense change (SIFT: "Tolerated"; PolyPhen-2: "Possibly Damaging"; Align-GVGD: "Class C0"). This variant has not been reported in the literature in individuals with CACNA1A-related conditions. This variant is not present in population databases (ExAC no frequency). This sequence change replaces arginine with leucine at codon 482 of the CACNA1A protein (p.Arg482Leu). The arginine residue is moderately conserved and there is a moderate physicochemical difference between arginine and leucine.

NM_001127222.2(CACNA1A):c.1442G>T (p.Arg481Leu)

Gene: CACNA1A (calcium voltage-gated channel subunit alpha1 A; minus strand). Cytogenetic location: 19p13.13.
Variant type: single nucleotide variant.
Coding change: c.1442G>T on transcript NM_001127222.2 (MANE Select); coding-DNA position 1442, G replaced by T.
Protein change: p.Arg481Leu; replaces arginine 481 with leucine.
Molecular consequence: missense variant.
Genome position (GRCh38, 1-based): chr19:13,317,225, C>A on the plus strand (G>T on the coding strand, the complement: CACNA1A is on the minus strand). VCF-style: chr19-13317225-C-A. GRCh37 (hg19) VCF-style: chr19-13428039-C-A.
Other names: c.1445G>T, p.Arg482Leu (NM_000068.4, NM_001127221.2, NM_001174080.2 and 1 more transcripts); short protein forms R481L, R482L.
Identifiers: ClinVar variation 859190 (VCV000859190.10), dbSNP rs763944721, ClinGen allele CA404345799.